The following is an entry in ClinVar:

ClinVar aggregate classification (germline): Likely benign. Review status: criteria provided, multiple submitters, no conflicts (2 of 4 stars). 3 submissions from 3 submitters: Likely benign (2). 1 of the submissions does not count toward it. Last evaluated 2025-07-21.

Conditions:
RNF213-related disorder. Also called: RNF213-related condition.

Allele frequency attached by ClinVar (database versions not stated): ExAC 0.00005; gnomAD 0.00011; TOPMed 0.00021.
gnomAD v4.1: 65 of 1,613,026 alleles (0.004%); highest among the groups gnomAD compares: Admixed American, 0.037%; no homozygotes.

Submissions (3):

Mayo Clinic Laboratories, Mayo Clinic
Classification: Likely benign. Last evaluated: 2025-07-21. Review status: criteria provided, single submitter. Criteria: ACMG Guidelines, 2015. Collection method: clinical testing. Allele origin: germline. Observed: 1 variant allele.
Comment: BP4, BP7, PM2_supporting

Labcorp Genetics (formerly Invitae), Labcorp
Classification: Likely benign. Last evaluated: 2025-03-31. Review status: criteria provided, single submitter. Criteria: Invitae Variant Classification Sherloc (09022015). Collection method: clinical testing. Allele origin: germline.

PreventionGenetics, part of Exact Sciences
Classification: Likely benign for RNF213-related condition. Last evaluated: 2019-03-25. Review status: no assertion criteria provided. Collection method: clinical testing. Allele origin: germline. Not counted in ClinVar's aggregate classification.
Comment: This variant is classified as likely benign based on ACMG/AMP sequence variant interpretation guidelines (Richards et al. 2015 PMID: 25741868, with internal and published modifications).

NM_001256071.3(RNF213):c.9936C>T (p.His3312=)

Gene: RNF213 (ring finger protein 213; plus strand). Cytogenetic location: 17q25.3.
Variant type: single nucleotide variant.
Coding change: c.9936C>T on transcript NM_001256071.3 (MANE Select); coding-DNA position 9936, C replaced by T.
Protein change: p.His3312=; no amino-acid change (histidine 3312 retained).
Molecular consequence: synonymous variant.
Genome position (GRCh38, 1-based): chr17:80,348,271, C>T. VCF-style: chr17-80348271-C-T. GRCh37 (hg19) VCF-style: chr17-78322071-C-T.
Other names: p.His3312=; c.10083C>T, p.His3361= (NM_001410195.1, NM_020914.5); c.9936C>T (NM_001256071.2).
Identifiers: ClinVar variation 2715709 (VCV002715709.6), dbSNP rs769125059, ClinGen allele CA8821233.
Genomic context (GRCh38, chr17:80,348,271, plus strand): 5'-GCACAACTCCTTTGCAGATTTCCTTCAGGCACACCTGCACACGGCAGACCTGGAGCGCCA[C>T]GCCATCTTCACAGAGGTGATTGTCTTTCTGCACTTGTACCCTATCCCCTGTCACCCAAGA-3'
Protein context (NP_001243000.2, residues 3302-3322): AHLHTADLER[His3312=]AIFTEITTFS